The following is an entry in ClinVar:

ClinVar aggregate classification (germline): Uncertain significance (1 of 4 stars; one submission).

Conditions:
Emery-Dreifuss muscular dystrophy 5, autosomal dominant (EDMD5). Also called: EMERY-DREIFUSS MUSCULAR DYSTROPHY 5. Identifiers: Orphanet 261, MedGen C2751805, MONDO:0013072, OMIM 612999.

Submission:

Labcorp Genetics (formerly Invitae), Labcorp
Classification: Uncertain significance for Emery-Dreifuss muscular dystrophy 5, autosomal dominant. Last evaluated: 2025-04-22. Review status: criteria provided, single submitter. Criteria: Invitae Variant Classification Sherloc (09022015). Collection method: clinical testing. Allele origin: germline.
Comment: This sequence change replaces glycine, which is neutral and non-polar, with glutamic acid, which is acidic and polar, at codon 1045 of the SYNE2 protein (p.Gly1045Glu). This variant is not present in population databases (gnomAD no frequency). This variant has not been reported in the literature in individuals affected with SYNE2-related conditions. ClinVar contains an entry for this variant (Variation ID: 3621040). An algorithm developed to predict the effect of missense changes on protein structure and function outputs the following: PolyPhen-2: "Probably Damaging". The glutamic acid amino acid residue is found in multiple mammalian species, which suggests that this missense change does not adversely affect protein function. In summary, the available evidence is currently insufficient to determine the role of this variant in disease. Therefore, it has been classified as a Variant of Uncertain Significance.

NM_182914.3(SYNE2):c.3134G>A (p.Gly1045Glu)

Gene: SYNE2 (spectrin repeat containing nuclear envelope protein 2; plus strand). Cytogenetic location: 14q23.2.
Variant type: single nucleotide variant.
Coding change: c.3134G>A on transcript NM_182914.3 (MANE Select); coding-DNA position 3134, G replaced by A.
Protein change: p.Gly1045Glu; replaces glycine 1045 with glutamic acid.
Molecular consequence: missense variant.
Genome position (GRCh38, 1-based): chr14:63,997,140, G>A. VCF-style: chr14-63997140-G-A. GRCh37 (hg19) VCF-style: chr14-64463858-G-A.
Other names: c.3134G>A, p.Gly1045Glu (NM_015180.6); short protein forms G1045E.
Identifiers: ClinVar variation 3621040 (VCV003621040.2).